The following is an entry in ClinVar:

NM_001164508.2(NEB):c.24394-1G>A

Genes: NEB (nebulin; minus strand), RIF1 (replication timing regulatory factor 1; plus strand). Cytogenetic location: 2q23.3.
Variant type: single nucleotide variant.
Coding change: c.24394-1G>A on transcript NM_001164508.2 (MANE Select); the canonical splice acceptor site of the intron before coding-DNA position 24394, G replaced by A.
Molecular consequence: splice acceptor variant.
Genome position (GRCh38, 1-based): chr2:151,496,369, C>T on the plus strand (G>A on the coding strand, the complement: NEB is on the minus strand). VCF-style: chr2-151496369-C-T. GRCh37 (hg19) VCF-style: chr2-152352883-C-T.
Other names: c.18826-1G>A (NM_004543.5); c.24394-1G>A (NM_001164507.2); c.24499-1G>A (NM_001271208.2).
Identifiers: ClinVar variation 557406 (VCV000557406.7), dbSNP rs1421095081, ClinGen allele CA348778447.
Genomic context (GRCh38, chr2:151,496,369, plus strand): 5'-CTCCATCTCGGGAGTGACAGCTAAAGGAGTTCCCTTGCCCATGTTTTCTTTGTATAACAC[C>T]TGTGCGATGAGAAAGCATCCAGAAAAACAACCATGAGTAACATTTCATTTGTTGAGAGGT-3'

ClinVar aggregate classification (germline): Likely pathogenic. Review status: criteria provided, multiple submitters, no conflicts (2 of 4 stars). 4 submissions from 4 submitters: Likely pathogenic (3). 1 of the submissions does not count toward it. Last evaluated 2025-04-21.

Conditions:
Nemaline myopathy. Also called: Myopathies, Nemaline. Identifiers: Orphanet 607, MedGen C0206157, MONDO:0018958.
Nemaline myopathy 2 (NEM2). Also called: Nemaline myopathy 2, autosomal recessive. Identifiers: MedGen C1850569, MONDO:0009725, OMIM 256030.

Allele frequency attached by ClinVar (database versions not stated): gnomAD exomes below 0.00001.
gnomAD v4.1: 5 of 1,605,278 alleles (0.00031%); highest among the groups gnomAD compares: East Asian, 0.0067%; no homozygotes.

Submissions (4):

Natera, Inc.
Classification: Likely pathogenic for Nemaline myopathy type 2. Last evaluated: 2025-04-21. Review status: criteria provided, single submitter. Criteria: Natera Variant Classification Schema (03/2026). Collection method: clinical testing. Allele origin: germline.
Comment: The c.24499-1G>A variant in NEB is a canonical splice acceptor site variant predicted to affect pre-mRNA splicing, which may result in an abnormal transcript and altered protein product. This variant may result in a truncated or dysfunctional protein product. This variant is rare in the general population with a frequency below the threshold expected for the associated phenotype(s). This variant has been observed in one or more individuals affected with the associated recessive disease, as either homozygous or compound heterozygous with a second variant (PMID: 27357428). Given the available evidence, this variant is classified as Likely Pathogenic.

Broad Center for Mendelian Genomics, Broad Institute of MIT and Harvard
Classification: Likely pathogenic for Nemaline myopathy. Last evaluated: 2025-02-25. Review status: criteria provided, single submitter. Criteria: ACMG Guidelines, 2015. Collection method: curation. Allele origin: germline. Inheritance: Autosomal recessive inheritance.
Comment: The c.24394-1G>A in NEB has been reported in one individual, in the compound heterozygous state, with nemaline myopathy (PMID: 27357428) and has been identified in 0.007% (3/44694) of East Asian chromosomes by the Genome Aggregation Database (gnomAD; dbSNP ID: rs1421095081). Although this variant has been seen in the general population in a heterozygous state, its frequency is low enough to be consistent with a recessive carrier frequency. This variant has also been reported in ClinVar (Variation ID: 557406) and has been interpreted as likely pathogenic by Counsyl. This variant is located in the 5' splice region. Computational tools predict a splicing impact, though this information is not predictive enough to determine pathogenicity. This variant is adjacent to an in-frame exon and is more likely to escape nonsense mediated decay (NMD) and result in a truncated protein. In-frame exon skipping of the NEB gene is an established disease mechanism in autosomal recessive nemaline myopathy. The phenotype of an individual heterozygous for this variant is highly specific for nemaline myopathy based on the presence of nemaline rods consistent with disease (PMID: 27357428). In summary, although additional studies are required to fully establish its clinical significance, this variant is likely pathogenic for autosomal recessive nemaline myopathy. ACMG/AMP Criteria applied: PVS1_strong, PM3, PP4, PM2_supporting (Richards 2015).

Labcorp Genetics (formerly Invitae), Labcorp
Classification: Likely pathogenic for Nemaline myopathy 2. Last evaluated: 2023-03-11. Review status: criteria provided, single submitter. Criteria: Invitae Variant Classification Sherloc (09022015). Collection method: clinical testing. Allele origin: germline.
Comment: In summary, the currently available evidence indicates that the variant is pathogenic, but additional data are needed to prove that conclusively. Therefore, this variant has been classified as Likely Pathogenic. Algorithms developed to predict the effect of sequence changes on RNA splicing suggest that this variant may disrupt the consensus splice site. ClinVar contains an entry for this variant (Variation ID: 557406). This variant has not been reported in the literature in individuals affected with NEB-related conditions. This variant is present in population databases (no rsID available, gnomAD 0.01%). This sequence change affects an acceptor splice site in intron 173 of the NEB gene. It is expected to disrupt RNA splicing. Variants that disrupt the donor or acceptor splice site typically lead to a loss of protein function (PMID: 16199547), and loss-of-function variants in NEB are known to be pathogenic (PMID: 25205138).

Counsyl
Classification: Likely pathogenic for Nemaline myopathy 2. Last evaluated: 2018-03-24. Review status: no assertion criteria provided. Collection method: clinical testing. Allele origin: unknown. Not counted in ClinVar's aggregate classification.

Literature cited by the submitters: PubMed 27357428 (cited by Natera, Inc. and Counsyl); PubMed 16199547 (cited by Labcorp Genetics (formerly Invitae), Labcorp); PubMed 25205138 (cited by Labcorp Genetics (formerly Invitae), Labcorp).